The following is an entry in ClinVar:

NM_139276.3(STAT3):c.1233+44G>C

Gene: STAT3 (signal transducer and activator of transcription 3; minus strand). Cytogenetic location: 17q21.2.
Variant type: single nucleotide variant.
Coding change: c.1233+44G>C on transcript NM_139276.3 (MANE Select); 44 bases into the intron after coding-DNA position 1233, G replaced by C.
Molecular consequence: intron variant.
Genome position (GRCh38, 1-based): chr17:42,329,510, C>G on the plus strand (G>C on the coding strand, the complement: STAT3 is on the minus strand). VCF-style: chr17-42329510-C-G. GRCh37 (hg19) VCF-style: chr17-40481528-C-G.
Other names: c.1137+44G>C (NM_001384989.1); c.1173+44G>C (NM_001384992.1); c.1233+44G>C (NM_001384984.1, NM_001369519.1, NM_003150.4 and 12 more transcripts); c.1155+44G>C (NM_001384985.1); c.1248+44G>C (NM_001384986.1, NM_001384990.1).
Identifiers: ClinVar variation 3025128 (VCV003025128.22), dbSNP rs200171210, ClinGen allele CA8575398.

ClinVar aggregate classification (germline): Likely benign (1 of 4 stars; one submission).

Allele frequency attached by ClinVar (database versions not stated): ESP Exome Variant Server 0.00077.
gnomAD v4.1: 821 of 1,614,016 alleles (0.051%); highest among the groups gnomAD compares: Admixed American, 0.083%; no homozygotes.

Submission:

CeGaT Center for Human Genetics Tuebingen
Classification: Likely benign. Last evaluated: 2024-02-01. Review status: criteria provided, single submitter. Criteria: CeGaT Center For Human Genetics Tuebingen Variant Classification Criteria Version 2. Collection method: clinical testing. Allele origin: germline. Affected: yes. Observed: 1 variant allele.
Comment: STAT3: PP2, BS2